The following is an entry in ClinVar:

NM_019066.5(MAGEL2):c.1568T>C (p.Leu523Pro)

Gene: MAGEL2 (MAGE family member L2; minus strand). Cytogenetic location: 15q11.2.
Variant type: single nucleotide variant.
Coding change: c.1568T>C on transcript NM_019066.5 (MANE Select); coding-DNA position 1568, T replaced by C.
Protein change: p.Leu523Pro; replaces leucine 523 with proline.
Molecular consequence: missense variant.
Genome position (GRCh38, 1-based): chr15:23,646,175, A>G on the plus strand (T>C on the coding strand, the complement: MAGEL2 is on the minus strand). VCF-style: chr15-23646175-A-G. GRCh37 (hg19) VCF-style: chr15-23891322-A-G.
Other names: short protein forms L523P.
Identifiers: ClinVar variation 2506650 (VCV002506650.3), dbSNP rs1462778908, ClinGen allele CA391333775.

ClinVar aggregate classification (germline): Uncertain significance. Review status: criteria provided, multiple submitters, no conflicts (2 of 4 stars). 3 submissions from 3 submitters: Uncertain significance (2). 1 of the submissions does not count toward it. Last evaluated 2025-04-27.

Conditions:
MAGEL2-related disorder. Also called: MAGEL2-related condition.

Allele frequency attached by ClinVar (database versions not stated): gnomAD exomes 0.00001; gnomAD 0.00001.

Submissions (3):

Labcorp Genetics (formerly Invitae), Labcorp
Classification: Uncertain significance. Last evaluated: 2025-04-27. Review status: criteria provided, single submitter. Criteria: Invitae Variant Classification Sherloc (09022015). Collection method: clinical testing. Allele origin: germline.
Comment: This sequence change replaces leucine, which is neutral and non-polar, with proline, which is neutral and non-polar, at codon 523 of the MAGEL2 protein (p.Leu523Pro). This variant is not present in population databases (gnomAD no frequency). This variant has not been reported in the literature in individuals affected with MAGEL2-related conditions. ClinVar contains an entry for this variant (Variation ID: 2506650). Invitae Evidence Modeling of protein sequence and biophysical properties (such as structural, functional, and spatial information, amino acid conservation, physicochemical variation, residue mobility, and thermodynamic stability) has been performed for this missense variant. However, the output from this modeling did not meet the statistical confidence thresholds required to predict the impact of this variant on MAGEL2 protein function. In summary, the available evidence is currently insufficient to determine the role of this variant in disease. Therefore, it has been classified as a Variant of Uncertain Significance.

GeneDx
Classification: Uncertain significance. Last evaluated: 2022-12-23. Review status: criteria provided, single submitter. Criteria: GeneDx Variant Classification Process June 2021. Collection method: clinical testing. Allele origin: germline. Affected: yes.
Comment: Not observed at significant frequency in large population cohorts (gnomAD); Has not been previously published as pathogenic or benign to our knowledge

PreventionGenetics, part of Exact Sciences
Classification: Uncertain significance for MAGEL2-related condition. Last evaluated: 2024-07-02. Review status: no assertion criteria provided. Collection method: clinical testing. Allele origin: germline. Not counted in ClinVar's aggregate classification.
Comment: The MAGEL2 c.1568T>C variant is predicted to result in the amino acid substitution p.Leu523Pro. To our knowledge, this variant has not been reported in the literature or in a large population database, indicating this variant is rare. At this time, the clinical significance of this variant is uncertain due to the absence of conclusive functional and genetic evidence.